The following is an entry in ClinVar:

ClinVar aggregate classification (germline): Uncertain significance (1 of 4 stars; one submission).

Conditions:
Cardiovascular phenotype. Identifiers: MedGen CN230736.

Submission:

Ambry Genetics
Classification: Uncertain significance for Cardiovascular phenotype. Last evaluated: 2024-01-29. Review status: criteria provided, single submitter. Criteria: Ambry Variant Classification Scheme 2023. Collection method: clinical testing. Allele origin: germline.
Comment: The p.P741A variant (also known as c.2221C>G), located in coding exon 17 of the TRPM4 gene, results from a C to G substitution at nucleotide position 2221. The proline at codon 741 is replaced by alanine, an amino acid with highly similar properties. This amino acid position is conserved. In addition, this alteration is predicted to be tolerated by in silico analysis. Based on the available evidence, the clinical significance of this alteration remains unclear.

NM_017636.4(TRPM4):c.2221C>G (p.Pro741Ala)

Gene: TRPM4 (transient receptor potential cation channel subfamily M member 4; plus strand). Cytogenetic location: 19q13.33.
Variant type: single nucleotide variant.
Coding change: c.2221C>G on transcript NM_017636.4 (MANE Select); coding-DNA position 2221, C replaced by G.
Protein change: p.Pro741Ala; replaces proline 741 with alanine.
Molecular consequence: missense variant. On other transcripts: intron variant (1).
Genome position (GRCh38, 1-based): chr19:49,196,450, C>G. VCF-style: chr19-49196450-C-G. GRCh37 (hg19) VCF-style: chr19-49699707-C-G.
Other names: c.1876C>G, p.Pro626Ala (NM_001321281.2); c.613C>G, p.Pro205Ala (NM_001321282.2); c.1699C>G, p.Pro567Ala (NM_001321283.2); c.1159C>G, p.Pro387Ala (NM_001321285.2); c.2211-3850C>G (NM_001195227.2); short protein forms P205A, P387A, P567A, P626A, P741A.
Identifiers: ClinVar variation 3227008 (VCV003227008.1), dbSNP rs2514176729, ClinGen allele CA406808467.